The following is an entry in ClinVar:

NM_002087.4(GRN):c.413C>T (p.Thr138Met)

Gene: GRN (granulin precursor; plus strand). Cytogenetic location: 17q21.31.
Variant type: single nucleotide variant.
Coding change: c.413C>T on transcript NM_002087.4 (MANE Select); coding-DNA position 413, C replaced by T.
Protein change: p.Thr138Met; replaces threonine 138 with methionine.
Molecular consequence: missense variant.
Genome position (GRCh38, 1-based): chr17:44,350,291, C>T. VCF-style: chr17-44350291-C-T. GRCh37 (hg19) VCF-style: chr17-42427659-C-T.
Other names: short protein forms T138M.
Identifiers: ClinVar variation 2085617 (VCV002085617.26), dbSNP rs146769257, ClinGen allele CA8601876.

ClinVar aggregate classification (germline): Uncertain significance. Review status: criteria provided, multiple submitters, no conflicts (2 of 4 stars). 2 submissions from 2 submitters: Uncertain significance (2). Last evaluated 2024-11-10.

Conditions:
GRN-related frontotemporal lobar degeneration with Tdp43 inclusions (FTD2). Also called: GRN Frontotemporal Dementia; FRONTOTEMPORAL DEMENTIA WITH TDP43 INCLUSIONS, GRN-RELATED; DEMENTIA, HEREDITARY DYSPHASIC DISINHIBITION; FRONTOTEMPORAL LOBAR DEGENERATION WITH UBIQUITIN-POSITIVE INCLUSIONS; FTLD-TDP, GRN-RELATED. Identifiers: Orphanet 100070, Orphanet 282, MedGen C1843792, MONDO:0011842, OMIM 607485. Disease mechanism: loss of function.
Neuronal ceroid lipofuscinosis 11. Also called: GRN-Related Neuronal Ceroid-Lipofuscinosis. Identifiers: Orphanet 314629, Orphanet 79262, MedGen C3539123, MONDO:0013866, OMIM 614706.

Allele frequency attached by ClinVar (database versions not stated): gnomAD 0.00001; ExAC 0.00002; ESP Exome Variant Server 0.00008.
gnomAD v4.1: 22 of 1,613,304 alleles (0.0014%); highest among the groups gnomAD compares: South Asian, 0.0033%; no homozygotes.

Submissions (2):

Labcorp Genetics (formerly Invitae), Labcorp
Classification: Uncertain significance for Neuronal ceroid lipofuscinosis 11; GRN-related frontotemporal lobar degeneration with Tdp43 inclusions. Last evaluated: 2024-11-10. Review status: criteria provided, single submitter. Criteria: Invitae Variant Classification Sherloc (09022015). Collection method: clinical testing. Allele origin: germline.
Comment: This sequence change replaces threonine, which is neutral and polar, with methionine, which is neutral and non-polar, at codon 138 of the GRN protein (p.Thr138Met). This variant is present in population databases (rs146769257, gnomAD 0.01%). This variant has not been reported in the literature in individuals affected with GRN-related conditions. ClinVar contains an entry for this variant (Variation ID: 2085617). Invitae Evidence Modeling of protein sequence and biophysical properties (such as structural, functional, and spatial information, amino acid conservation, physicochemical variation, residue mobility, and thermodynamic stability) indicates that this missense variant is expected to disrupt GRN protein function with a positive predictive value of 80%. In summary, the available evidence is currently insufficient to determine the role of this variant in disease. Therefore, it has been classified as a Variant of Uncertain Significance.

CeGaT Center for Human Genetics Tuebingen
Classification: Uncertain significance. Last evaluated: 2023-12-01. Review status: criteria provided, single submitter. Criteria: CeGaT Center For Human Genetics Tuebingen Variant Classification Criteria Version 2. Collection method: clinical testing. Allele origin: germline. Affected: yes. Observed: 1 variant allele.
Comment: GRN: PM2